The following is an entry in ClinVar:

ClinVar aggregate classification (germline): Uncertain significance (1 of 4 stars; one submission).

Allele frequency attached by ClinVar (database versions not stated): TOPMed below 0.00001; gnomAD exomes 0.00001.
gnomAD v4.1: 9 of 1,613,350 alleles (0.00056%); highest among the groups gnomAD compares: East Asian, 0.0045%; no homozygotes.

Submission:

Women's Health and Genetics/Laboratory Corporation of America, LabCorp
Classification: Uncertain significance. Last evaluated: 2023-10-17. Review status: criteria provided, single submitter. Criteria: LabCorp Variant Classification Summary - May 2015. Collection method: clinical testing. Allele origin: germline.
Comment: Variant summary: GFAP c.403G>A (p.Ala135Thr) results in a non-conservative amino acid change located in the Intermediate filament, rod domain (IPR039008) of the encoded protein sequence. Three of five in-silico tools predict a damaging effect of the variant on protein function. The variant allele was found at a frequency of 4e-06 in 249976 control chromosomes (gnomAD). The available data on variant occurrences in the general population are insufficient to allow any conclusion about variant significance. To our knowledge, no occurrence of c.403G>A in individuals affected with Alexander Disease and no experimental evidence demonstrating its impact on protein function have been reported. No submitters have cited clinical-significance assessments for this variant to ClinVar after 2014. Based on the evidence outlined above, the variant was classified as uncertain significance.

NM_002055.5(GFAP):c.403G>A (p.Ala135Thr)

Gene: GFAP (glial fibrillary acidic protein; minus strand). Cytogenetic location: 17q21.31.
Variant type: single nucleotide variant.
Coding change: c.403G>A on transcript NM_002055.5 (MANE Select); coding-DNA position 403, G replaced by A.
Protein change: p.Ala135Thr; replaces alanine 135 with threonine.
Molecular consequence: missense variant.
Genome position (GRCh38, 1-based): chr17:44,915,084, C>T on the plus strand (G>A on the coding strand, the complement: GFAP is on the minus strand). VCF-style: chr17-44915084-C-T. GRCh37 (hg19) VCF-style: chr17-42992452-C-T.
Other names: c.403G>A, p.Ala135Thr (NM_001131019.3, NM_001242376.3, NM_001363846.2); short protein forms A135T.
Identifiers: ClinVar variation 2637775 (VCV002637775.1), dbSNP rs544232705, ClinGen allele CA291034049.